The following is an entry in ClinVar:

ClinVar aggregate classification (germline): Likely pathogenic. Review status: criteria provided, multiple submitters, no conflicts (2 of 4 stars). 3 submissions from 3 submitters: Likely pathogenic (2). 1 of the submissions does not count toward it. Last evaluated 2024-09-23.

Conditions:
Neurodevelopmental disorder. Identifiers: MedGen C1535926, MeSH D065886, MONDO:0700092.
Inborn genetic diseases. Identifiers: MedGen C0950123, MeSH D030342.
Leukemia, acute lymphoblastic, susceptibility to, 3 (ALL3). Identifiers: MedGen C3809874, MONDO:0014241, OMIM 615545.

Submissions (3):

St. Jude Molecular Pathology, St. Jude Children's Research Hospital
Classification: Likely pathogenic for Leukemia, acute lymphoblastic, susceptibility to, 3. Last evaluated: 2024-09-23. Review status: criteria provided, single submitter. Criteria: St. Jude Assertion Criteria 2020. Collection method: clinical testing. Allele origin: germline. Affected: yes.
Comment: The PAX5 c.419G>A (p.Arg140Gln) missense change replaces arginine with glutamine at codon 140 of the PAX5 gene and is absent in population databases including gnomAD v2.1.1. The arginine residue is highly conserved across species and is a somatic mutational hotspot in pediatric cases of B cell acute lymphoblastic leukemia (PMID: 30487223, 30643249, internal data). This is consistent with literature reports of individuals with B cell acute lymphoblastic leukemia and pathogenic germline variants in PAX5 (PMID: 24013638, 24287434). Additionally, expression analysis showed that this tumor sample clustered with the PAX5-altered subtype defined by Gu et al. 2019 in PMID: 30643249 (internal data). The in silico tool REVEL predicts a deleterious effect on protein function, but to our knowledge this prediction has not been confirmed by functional studies. In summary, this variant meets criteria to be classified as likely pathogenic.

Ambry Genetics
Classification: Likely pathogenic for Inborn genetic diseases. Last evaluated: 2022-10-28. Review status: criteria provided, single submitter. Criteria: Ambry Variant Classification Scheme 2023. Collection method: clinical testing. Allele origin: germline.
Comment: The c.419G>A (p.R140Q) alteration is located in exon 4 (coding exon 4) of the PAX5 gene. This alteration results from a G to A substitution at nucleotide position 419, causing the arginine (R) at amino acid position 140 to be replaced by a glutamine (Q). This variant was not reported in population-based cohorts in the Genome Aggregation Database (gnomAD). This variant has been determined to be the result of a de novo mutation or germline mosaicism in one individual with clinical features of PAX5-related neurodevelopmental disorder (Gofin, 2022). This amino acid position is highly conserved in available vertebrate species. This alteration is predicted to be deleterious by in silico analysis. Based on the available evidence, this alteration is classified as likely pathogenic.

Daryl Scott Lab, Baylor College of Medicine
Classification: Pathogenic for Neurodevelopmental disorder. Last evaluated: 2021-08-23. Review status: no assertion criteria provided. Collection method: research. Allele origin: de novo. Affected: yes. Observed: 1 variant allele. Not counted in ClinVar's aggregate classification.

Literature cited by the submitters: PubMed 35094443 (cited by Ambry Genetics and Daryl Scott Lab, Baylor College of Medicine).

NM_016734.3(PAX5):c.419G>A (p.Arg140Gln)

Genes: PAX5 (paired box 5; minus strand), LOC105376032 (uncharacterized LOC105376032; plus strand). Cytogenetic location: 9p13.2.
Variant type: single nucleotide variant.
Coding change: c.419G>A on transcript NM_016734.3 (MANE Select); coding-DNA position 419, G replaced by A.
Protein change: p.Arg140Gln; replaces arginine 140 with glutamine.
Molecular consequence: missense variant. On other transcripts: non-coding transcript variant (2).
Genome position (GRCh38, 1-based): chr9:37,006,529, C>T on the plus strand (G>A on the coding strand, the complement: PAX5 is on the minus strand). VCF-style: chr9-37006529-C-T. GRCh37 (hg19) VCF-style: chr9-37006526-C-T.
Other names: c.419G>A, p.Arg140Gln (NM_001280547.2, NM_001280548.2, NM_001280549.2 and 4 more transcripts); c.95G>A, p.Arg32Gln (NM_001280551.2, NM_001280556.2); c.221G>A, p.Arg74Gln (NM_001280555.2); c.419G>A (NM_016734.2, NM_016734.1); short protein forms R140Q, R32Q, R74Q.
Identifiers: ClinVar variation 1210157 (VCV001210157.8), dbSNP rs2132424384, ClinGen allele CA373487684.
Genomic context (GRCh38, chr9:37,006,529, plus strand): 5'-TTACCTATGCTGTGACTGGAAGCTGGGACTGGTTGGTTGGGTGGCTGCTGTACTTTTGTC[C>T]GGATGATCCTGTGGGCAGTTGAAAAACAAAATTGCTATTTACCATCAGGAAGGAGAAGAG-3'
Protein context (NP_057953.1, residues 130-150): PSVSSINRII[Arg140Gln]TKVQQPPNQP